The following is an entry in ClinVar:

ClinVar aggregate classification (germline): Conflicting classifications of pathogenicity. Review status: criteria provided, conflicting classifications (1 of 4 stars). 4 submissions from 4 submitters: Uncertain significance (1); Likely benign (2). 1 of the submissions does not count toward it. Last evaluated 2025-11-13.

Conditions:
Ehlers-Danlos syndrome, dermatosparaxis type. Also called: EDS VIIC; Dermatosparaxis; Ehlers-Danlos syndrome, type VII, autosomal recessive. Identifiers: Orphanet 1901, MedGen C2700425, MONDO:0009161, OMIM 225410.
ADAMTS2-related disorder. Also called: ADAMTS2-related condition.

Allele frequency attached by ClinVar (database versions not stated): gnomAD 0.00007 and 0.00008; ESP Exome Variant Server 0.00008; TOPMed 0.00009; gnomAD exomes 0.00014 and 0.00025; ExAC 0.00017; 1000 Genomes Project 30x 0.00031; 1000 Genomes Project 0.00040.
gnomAD v4.1: 376 of 1,613,534 alleles (0.023%); highest among the groups gnomAD compares: Non-Finnish European, 0.03%; no homozygotes.

Submissions (4):

Labcorp Genetics (formerly Invitae), Labcorp
Classification: Likely benign for Ehlers-Danlos syndrome, dermatosparaxis type. Last evaluated: 2025-11-13. Review status: criteria provided, single submitter. Criteria: Invitae Variant Classification Sherloc (09022015). Collection method: clinical testing. Allele origin: germline.

Fulgent Genetics
Classification: Uncertain significance for Ehlers-Danlos syndrome, dermatosparaxis type. Last evaluated: 2024-02-16. Review status: criteria provided, single submitter. Criteria: ACMG Guidelines, 2015. Collection method: clinical testing. Allele origin: germline.

GeneDx
Classification: Likely benign. Last evaluated: 2020-12-21. Review status: criteria provided, single submitter. Criteria: GeneDx Variant Classification Process June 2021. Collection method: clinical testing. Allele origin: germline. Affected: yes.

PreventionGenetics, part of Exact Sciences
Classification: Likely benign for ADAMTS2-related condition. Last evaluated: 2024-08-29. Review status: no assertion criteria provided. Collection method: clinical testing. Allele origin: germline. Not counted in ClinVar's aggregate classification.
Comment: This variant is classified as likely benign based on ACMG/AMP sequence variant interpretation guidelines (Richards et al. 2015 PMID: 25741868, with internal and published modifications).

NM_014244.5(ADAMTS2):c.2469G>A (p.Val823=)

Gene: ADAMTS2 (ADAM metallopeptidase with thrombospondin type 1 motif 2; minus strand). Cytogenetic location: 5q35.3.
Variant type: single nucleotide variant.
Coding change: c.2469G>A on transcript NM_014244.5 (MANE Select); coding-DNA position 2469, G replaced by A.
Protein change: p.Val823=; no amino-acid change (valine 823 retained).
Molecular consequence: synonymous variant.
Genome position (GRCh38, 1-based): chr5:179,128,107, C>T on the plus strand (G>A on the coding strand, the complement: ADAMTS2 is on the minus strand). VCF-style: chr5-179128107-C-T. GRCh37 (hg19) VCF-style: chr5-178555108-C-T.
Identifiers: ClinVar variation 469672 (VCV000469672.16), dbSNP rs182103023, ClinGen allele CA3595533.
Genomic context (GRCh38, chr5:179,128,107, plus strand): 5'-GACATTCAGTGAGTCCTCATGGATCATGTATTTGTACGTCAGTGAGACCCGGGTGTCTCC[C>T]ACCGGGATGACCTGTGCCAGCCCAAGAGCCTTGATGTGCCTGACCTGCCCTCCATGCTTC-3'
Protein context (NP_055059.2, residues 813-833): HGTITVLVIP[Val823=]GDTRVSLTYK